The following is an entry in ClinVar:

ClinVar aggregate classification (germline): Uncertain significance. Review status: criteria provided, multiple submitters, no conflicts (2 of 4 stars). 4 submissions from 4 submitters: Uncertain significance (4). Last evaluated 2025-05-27.

Conditions:
Familial thoracic aortic aneurysm and aortic dissection (TAAD). Also called: Thoracic aortic aneurysms and dissections. Identifiers: Orphanet 91387, MedGen C4707243, MONDO:0019625.
Ehlers-Danlos syndrome, kyphoscoliotic type 1 (EDSKSCL1). Also called: PLOD1-Related Kyphoscoliotic Ehlers-Danlos Syndrome; Ehlers-Danlos syndrome, hydroxylysine-deficient; EHLERS-DANLOS SYNDROME, TYPE VIA; EHLERS-DANLOS SYNDROME, OCULAR-SCOLIOTIC TYPE. Identifiers: Orphanet 1900, MedGen C0268342, MONDO:0016002, OMIM 225400. Disease mechanism: loss of function.

Submissions (4):

Women's Health and Genetics/Laboratory Corporation of America, LabCorp
Classification: Uncertain significance. Last evaluated: 2025-05-27. Review status: criteria provided, single submitter. Criteria: LabCorp Variant Classification Summary - May 2015. Collection method: clinical testing. Allele origin: germline.
Comment: Variant summary: PLOD1 c.354_355delinsAA (p.Gln119Lys) results in a conservative amino acid change in the encoded protein sequence. Algorithms developed to predict the effect of missense changes on protein structure and function are either unavailable or do not agree on the potential impact of this missense change. The variant was absent in 251192 control chromosomes. The available data on variant occurrences in the general population are insufficient to allow any conclusion about variant significance. To our knowledge, no occurrence of c.354_355delinsAA in individuals affected with Ehlers-Danlos syndrome, kyphoscoliotic type 1 and no experimental evidence demonstrating its impact on protein function have been reported. ClinVar contains an entry for this variant (Variation ID: 837473). Based on the evidence outlined above, the variant was classified as uncertain significance.

Ambry Genetics
Classification: Uncertain significance for Familial thoracic aortic aneurysm and aortic dissection. Last evaluated: 2025-05-05. Review status: criteria provided, single submitter. Criteria: Ambry Variant Classification Scheme 2023. Collection method: clinical testing. Allele origin: germline.
Comment: The c.354_355delGCinsAA variant, located in coding exon 4 of the PLOD1 gene, results from an in-frame deletion of GC and insertion of AA at nucleotide positions 354 to 355. This results in the substitution of the glutamine residue for a lysine residue at codon 119, an amino acid with similar properties. This amino acid position is highly conserved in available vertebrate species. In addition, this alteration is predicted to be neutral by in silico analysis (Choi Y et al. PLoS ONE. 2012; 7(10):e46688). Based on the available evidence, the clinical significance of this variant remains unclear.

GeneDx
Classification: Uncertain significance. Last evaluated: 2023-06-06. Review status: criteria provided, single submitter. Criteria: GeneDx Variant Classification Process June 2021. Collection method: clinical testing. Allele origin: germline. Affected: yes.
Comment: Not observed at significant frequency in large population cohorts (gnomAD); In silico analysis supports that this variant does not alter protein structure/function; Has not been previously published as pathogenic or benign to our knowledge

Labcorp Genetics (formerly Invitae), Labcorp
Classification: Uncertain significance for Ehlers-Danlos syndrome, kyphoscoliotic type 1. Last evaluated: 2022-07-10. Review status: criteria provided, single submitter. Criteria: Invitae Variant Classification Sherloc (09022015). Collection method: clinical testing. Allele origin: germline.
Comment: This sequence change replaces glutamine, which is neutral and polar, with lysine, which is basic and polar, at codon 119 of the PLOD1 protein (p.Gln119Lys). Information on the frequency of this variant in the gnomAD database is not available, as this variant may be reported differently in the database. This variant has not been reported in the literature in individuals affected with PLOD1-related conditions. ClinVar contains an entry for this variant (Variation ID: 837473). Experimental studies and prediction algorithms are not available or were not evaluated, and the functional significance of this variant is currently unknown. In summary, the available evidence is currently insufficient to determine the role of this variant in disease. Therefore, it has been classified as a Variant of Uncertain Significance.

NM_000302.4(PLOD1):c.354_355delinsAA (p.Gln119Lys)

Gene: PLOD1 (procollagen-lysine,2-oxoglutarate 5-dioxygenase 1; plus strand). Cytogenetic location: 1p36.22.
Variant type: Indel.
Coding change: c.354_355delinsAA on transcript NM_000302.4 (MANE Select); coding-DNA positions 354 to 355, GC replaced by AA.
Protein change: p.Gln119Lys; replaces glutamine 119 with lysine.
Molecular consequence: missense variant.
Genome position (GRCh38, 1-based): chr1:11,950,408-11,950,409, GC replaced by AA. VCF-style: chr1-11950408-GC-AA. GRCh37 (hg19) VCF-style: chr1-12010465-GC-AA.
Other names: c.354_355delGCinsAA (NM_000302.3); c.495_496delinsAA, p.Gln166Lys (NM_001316320.2); short protein forms Q166K, Q119K.
Identifiers: ClinVar variation 837473 (VCV000837473.9), dbSNP rs1645691095, ClinGen allele CA916081999.
Genomic context (GRCh38, chr1:11,950,408, plus strand): 5'-TGGCCACAGCTATGACGTGCTGTTTGCATCGGGGCCCCGGGAGCTCCTGAAGAAGTTCCG[GC>AA]AGGCCAGGAGCCAGGTGGTCTTCTCTGCTGAGGAGCTCATCTACCCAGACCGCAGGCTGG-3'
Protein context (NP_000293.2, residues 109-129): GPRELLKKFR[Gln119Lys]ARSQVVFSAE